The following is an entry in ClinVar:

ClinVar aggregate classification (germline): Uncertain significance (1 of 4 stars; one submission).

Conditions:
Muscular dystrophy, limb-girdle, autosomal dominant 4. Also called: Calpain-3-related limb-girdle muscular dystrophy D4; MUSCULAR DYSTROPHY, LIMB-GIRDLE, TYPE 1I. Identifiers: Orphanet 565909, MedGen C4748295, MONDO:0029133, OMIM 618129.

Allele frequency attached by ClinVar (database versions not stated): gnomAD exomes below 0.00001.
gnomAD v4.1: 1 of 1,614,260 alleles (0.000062%); highest among the groups gnomAD compares: South Asian, 0.0011%; no homozygotes.

Submission:

Foundation for Research in Genetics and Endocrinology, FRIGE's Institute of Human Genetics
Classification: Uncertain significance for Muscular dystrophy, limb-girdle, autosomal dominant 4. Last evaluated: 2022-12-16. Review status: criteria provided, single submitter. Criteria: ACMG Guidelines, 2015. Collection method: clinical testing. Allele origin: germline. Inheritance: Autosomal dominant inheritance. Affected: yes. Observed: 1 heterozygote.
Comment: A heterozygous missense variation in exon 1 of the CAPN3 gene that results in the amino acid substitution of Cystein for Tyrosine at codon 89 (p.Tyr89Cys) was detected. This variant has not been reported in the 1000 genomes and gnomAD databases. The in silico predictions of the variant are probably damaging by PolyPhen-2 (HumDiv), SIFT and Mutation Taster 2. The reference codon is conserved across species. In summary, the variant meets our criteria to be classified as a variant of uncertain significance.

NM_000070.3(CAPN3):c.266A>G (p.Tyr89Cys)

Gene: CAPN3 (calpain 3; plus strand). Cytogenetic location: 15q15.1.
Variant type: single nucleotide variant.
Coding change: c.266A>G on transcript NM_000070.3 (MANE Select); coding-DNA position 266, A replaced by G.
Protein change: p.Tyr89Cys; replaces tyrosine 89 with cysteine.
Molecular consequence: missense variant.
Genome position (GRCh38, 1-based): chr15:42,360,071, A>G. VCF-style: chr15-42360071-A-G. GRCh37 (hg19) VCF-style: chr15-42652269-A-G.
Other names: p.Tyr89Cys; c.266A>G, p.Tyr89Cys (NM_024344.2, NM_173087.2); short protein forms Y89C.
Identifiers: ClinVar variation 2203767 (VCV002203767.2), dbSNP rs2052599999, ClinGen allele CA391995131.